The following is an entry in ClinVar:

NM_017617.5(NOTCH1):c.649C>T (p.Arg217Trp)

Gene: NOTCH1 (notch receptor 1; minus strand). Cytogenetic location: 9q34.3.
Variant type: single nucleotide variant.
Coding change: c.649C>T on transcript NM_017617.5 (MANE Select); coding-DNA position 649, C replaced by T.
Protein change: p.Arg217Trp; replaces arginine 217 with tryptophan.
Molecular consequence: missense variant.
Genome position (GRCh38, 1-based): chr9:136,522,943, G>A on the plus strand (C>T on the coding strand, the complement: NOTCH1 is on the minus strand). VCF-style: chr9-136522943-G-A. GRCh37 (hg19) VCF-style: chr9-139417395-G-A.
Other names: short protein forms R217W.
Identifiers: ClinVar variation 842203 (VCV000842203.10), dbSNP rs757003332, ClinGen allele CA5342110.

ClinVar aggregate classification (germline): Conflicting classifications of pathogenicity. Review status: criteria provided, conflicting classifications (1 of 4 stars). 3 submissions from 3 submitters: Uncertain significance (2); Benign (1). Last evaluated 2025-12-24.

Conditions:
Adams-Oliver syndrome 5 (AOS5). Identifiers: Orphanet 974, MedGen C4014970, MONDO:0014459, OMIM 616028.
Familial thoracic aortic aneurysm and aortic dissection (TAAD). Also called: Thoracic aortic aneurysms and dissections. Identifiers: Orphanet 91387, MedGen C4707243, MONDO:0019625.

Allele frequency attached by ClinVar (database versions not stated): gnomAD 0.00001; gnomAD exomes 0.00003; TOPMed 0.00004; ExAC 0.00012.
gnomAD v4.1: 22 of 1,554,852 alleles (0.0014%); highest among the groups gnomAD compares: Admixed American, 0.0077%; no homozygotes.

Submissions (3):

Labcorp Genetics (formerly Invitae), Labcorp
Classification: Benign for Adams-Oliver syndrome 5. Last evaluated: 2025-12-24. Review status: criteria provided, single submitter. Criteria: Invitae Variant Classification Sherloc (09022015). Collection method: clinical testing. Allele origin: germline.

Ambry Genetics
Classification: Uncertain significance for Familial thoracic aortic aneurysm and aortic dissection. Last evaluated: 2025-03-21. Review status: criteria provided, single submitter. Criteria: Ambry Variant Classification Scheme 2023. Collection method: clinical testing. Allele origin: germline.
Comment: The p.R217W variant (also known as c.649C>T), located in coding exon 4 of the NOTCH1 gene, results from a C to T substitution at nucleotide position 649. The arginine at codon 217 is replaced by tryptophan, an amino acid with dissimilar properties. This variant was reported in an individual in a congenital heart disease cohort (Stanley KJ et al. Eur J Hum Genet, 2024 Jul;32:795-803). This amino acid position is conserved. In addition, this alteration is predicted to be tolerated by in silico analysis. Based on the available evidence, the clinical significance of this variant remains unclear.

GeneDx
Classification: Uncertain significance. Last evaluated: 2024-12-26. Review status: criteria provided, single submitter. Criteria: GeneDx Variant Classification Process June 2021. Collection method: clinical testing. Allele origin: germline.
Comment: Has not been previously published as pathogenic or benign to our knowledge; Not observed at significant frequency in large population cohorts (gnomAD); In silico analysis indicates that this missense variant does not alter protein structure/function; This variant is associated with the following publications: (PMID: 24277457)

Literature cited by the submitters: PubMed 38778082 (cited by Ambry Genetics).